The following is an entry in ClinVar:

NM_001184785.2(PARD3):c.2838A>G (p.Glu946=)

Gene: PARD3 (par-3 family cell polarity regulator; minus strand). Cytogenetic location: 10p11.21.
Variant type: single nucleotide variant.
Coding change: c.2838A>G on transcript NM_001184785.2 (MANE Select); coding-DNA position 2838, A replaced by G.
Protein change: p.Glu946=; no amino-acid change (glutamic acid 946 retained).
Molecular consequence: synonymous variant.
Genome position (GRCh38, 1-based): chr10:34,317,334, T>C on the plus strand (A>G on the coding strand, the complement: PARD3 is on the minus strand). VCF-style: chr10-34317334-T-C. GRCh37 (hg19) VCF-style: chr10-34606262-T-C.
Other names: NC_000010.10:g.34606262T>C; c.2799A>G, p.Glu933= (NM_001184786.2); c.2847A>G, p.Glu949= (NM_001184787.2, NM_019619.4); c.2709A>G, p.Glu903= (NM_001184788.2, NM_001184789.2, NM_001184794.2); c.2577A>G, p.Glu859= (NM_001184790.2); c.2622A>G, p.Glu874= (NM_001184791.2); c.2838A>G, p.Glu946= (NM_001184792.2); c.2745A>G, p.Glu915= (NM_001184793.2).
Identifiers: ClinVar variation 3041037 (VCV003041037.3), dbSNP rs148970712, ClinGen allele CA5467472.

ClinVar aggregate classification (germline): Likely benign (0 of 4 stars; one submission).

Conditions:
PARD3-related disorder. Also called: PARD3-related condition.

Allele frequency attached by ClinVar (database versions not stated): gnomAD exomes 0.00003; ExAC 0.00012; gnomAD 0.00038; ESP Exome Variant Server 0.00046; TOPMed 0.00048.
gnomAD v4.1: 107 of 1,592,708 alleles (0.0067%); highest among the groups gnomAD compares: African/African-American, 0.13%; no homozygotes.

Submissions (2):

PreventionGenetics, part of Exact Sciences
Classification: Likely benign for PARD3-related condition. Last evaluated: 2019-09-18. Review status: no assertion criteria provided. Collection method: clinical testing. Allele origin: germline.
Comment: This variant is classified as likely benign based on ACMG/AMP sequence variant interpretation guidelines (Richards et al. 2015 PMID: 25741868, with internal and published modifications).

Dr. Peter K. Rogan Lab, Western University
No classification provided (evidence only). Condition: Cervical cancer. Review status: no classification provided. Collection method: in vitro. Allele origin: not applicable. Functional consequence: retained intron. Not counted in ClinVar's aggregate classification.